The following is an entry in ClinVar:

NM_021072.4(HCN1):c.831C>G (p.Tyr277Ter)

Gene: HCN1 (hyperpolarization activated cyclic nucleotide gated potassium channel 1; minus strand). Cytogenetic location: 5p12.
Variant type: single nucleotide variant.
Coding change: c.831C>G on transcript NM_021072.4 (MANE Select); coding-DNA position 831, C replaced by G.
Protein change: p.Tyr277Ter; replaces tyrosine 277 with a stop codon.
Molecular consequence: nonsense.
Genome position (GRCh38, 1-based): chr5:45,645,203, G>C on the plus strand (C>G on the coding strand, the complement: HCN1 is on the minus strand). VCF-style: chr5-45645203-G-C. GRCh37 (hg19) VCF-style: chr5-45645305-G-C.
Other names: short protein forms Y277*.
Identifiers: ClinVar variation 1005903 (VCV001005903.7), dbSNP rs1745526984, ClinGen allele CA359707019.
Genomic context (GRCh38, chr5:45,645,203, plus strand): 5'-ATTTCATGATATAGATTTAAAAAAGAAAAAGATGCATCTTACCTCTTCCCATTGATGTAT[G>C]TATCTAATTAACCTTGAAAGTCGTAATAAACGCAAGAGACTGAGAATTTTTGTAAACCTC-3'

ClinVar aggregate classification (germline): Uncertain significance (1 of 4 stars; one submission).

Conditions:
Early-infantile DEE. Also called: Ohtahara syndrome; Early infantile epileptic encephalopathy with suppression bursts; Early infantile epileptic encephalopathy. Identifiers: Orphanet 1934, MedGen C0393706, MONDO:0800491.

Submission:

Labcorp Genetics (formerly Invitae), Labcorp
Classification: Uncertain significance for Early-infantile DEE. Last evaluated: 2020-03-05. Review status: criteria provided, single submitter. Criteria: Invitae Variant Classification Sherloc (09022015). Collection method: clinical testing. Allele origin: germline.
Comment: This sequence change creates a premature translational stop signal (p.Tyr277*) in the HCN1 gene. It is expected to result in an absent or disrupted protein product. This variant is not present in population databases (ExAC no frequency). This variant has not been reported in the literature in individuals with HCN1-related conditions. The current clinical and genetic evidence is not sufficient to establish whether loss-of-function variants in HCN1 cause disease. In summary, the available evidence is currently insufficient to determine the role of this variant in disease. Therefore, it has been classified as a Variant of Uncertain Significance.